The following is an entry in ClinVar:

NM_000182.5(HADHA):c.1814_1815del (p.Lys605fs)

Genes: HADHA (hydroxyacyl-CoA dehydrogenase trifunctional multienzyme complex subunit alpha; minus strand), GAREM2 (GRB2 associated regulator of MAPK1 subtype 2; plus strand). Cytogenetic location: 2p23.3.
Variant type: Deletion.
Coding change: c.1814_1815del on transcript NM_000182.5 (MANE Select); coding-DNA positions 1814 to 1815, 2 bases deleted (AA; older notation c.1814_1815delAA).
Protein change: p.Lys605fs; shifts the reading frame from lysine 605.
Molecular consequence: frameshift variant.
Genome position (GRCh38, 1-based): chr2:26,193,647-26,193,648, TT deleted on the plus strand (AA on the coding strand, the reverse complement: HADHA is on the minus strand); deleting any 2 consecutive bases within chr2:26,193,647-26,193,649 gives the same sequence; the c. name uses the placement nearest the transcript's 3' end. VCF-style (leftmost placement, unchanged base first): chr2-26193646-CTT-C. GRCh37 (hg19) VCF-style: chr2-26416515-CTT-C.
Other names: c.1814_1815delAA (NM_000182.4); short protein forms K605fs.
Identifiers: ClinVar variation 504151 (VCV000504151.13), dbSNP rs1553312033, ClinGen allele CA658795686.
Genomic context (GRCh38, chr2:26,193,646, plus strand): 5'-CCTTGGACACCATCTGTGTCAGCAGTTCTGGGTTTCCACCTCCAAACCGCTCCCCAAAGA[CTT>C]TGCCCAGATCTTCCGCCACATGTTTCGCTACATCCACACCAACTTCATCCACCAGTGTGG-3'

ClinVar aggregate classification (germline): Pathogenic/Likely pathogenic. Review status: criteria provided, multiple submitters, no conflicts (2 of 4 stars). 5 submissions from 5 submitters: Pathogenic (1); Likely pathogenic (3). 1 of the submissions does not count toward it. Last evaluated 2025-09-06.

Conditions:
Mitochondrial trifunctional protein deficiency. Identifiers: Orphanet 746, MedGen C1969443, MONDO:0012172.
Long chain 3-hydroxyacyl-CoA dehydrogenase deficiency. Also called: Deficiency of long-chain 3-hydroxyacyl-coenzyme A dehydrogenase; LCHAD Deficiency. Identifiers: Orphanet 5, MedGen C3711645, MONDO:0012173, OMIM 609016.

Submissions (5):

Labcorp Genetics (formerly Invitae), Labcorp
Classification: Pathogenic for Mitochondrial trifunctional protein deficiency; Long chain 3-hydroxyacyl-CoA dehydrogenase deficiency. Last evaluated: 2025-09-06. Review status: criteria provided, single submitter. Criteria: Invitae Variant Classification Sherloc (09022015). Collection method: clinical testing. Allele origin: germline.
Comment: This sequence change creates a premature translational stop signal (p.Lys605Serfs*26) in the HADHA gene. It is expected to result in an absent or disrupted protein product. Loss-of-function variants in HADHA are known to be pathogenic (PMID: 7738175, 21103935, 21549624, 22459206). This variant is not present in population databases (gnomAD no frequency). This variant has not been reported in the literature in individuals affected with HADHA-related conditions. ClinVar contains an entry for this variant (Variation ID: 504151). For these reasons, this variant has been classified as Pathogenic.

Natera, Inc.
Classification: Likely pathogenic for Deficiency of long-chain 3-hydroxyacyl-coenzyme A dehydrogenase. Last evaluated: 2024-12-04. Review status: criteria provided, single submitter. Criteria: Natera Variant Classification Schema (03/2026). Collection method: clinical testing. Allele origin: germline.
Comment: The c.1814_1815delAA variant in HADHA is a frameshift variant predicted to shift the reading frame beginning at codon 605 and leads to a stop codon 26 codons downstream. This variant is expected to result in nonsense mediated decay, truncation, or a dysfunctional protein product. This variant is rare in the general population with a frequency below the threshold expected for the associated phenotype(s). Given the available evidence, this variant is classified as Likely Pathogenic.

Baylor Genetics
Classification: Likely pathogenic for Long chain 3-hydroxyacyl-CoA dehydrogenase deficiency. Last evaluated: 2023-12-27. Review status: criteria provided, single submitter. Criteria: ACMG Guidelines, 2015. Collection method: clinical testing. Allele origin: unknown.

GeneDx
Classification: Likely pathogenic. Last evaluated: 2023-09-20. Review status: criteria provided, single submitter. Criteria: GeneDx Variant Classification Process June 2021. Collection method: clinical testing. Allele origin: germline. Affected: yes.
Comment: Frameshift variant predicted to result in protein truncation or nonsense mediated decay in a gene for which loss-of-function is a known mechanism of disease; Not observed at significant frequency in large population cohorts (gnomAD); Has not been previously published as pathogenic or benign to our knowledge

Counsyl
Classification: Likely pathogenic for Long chain 3-hydroxyacyl-CoA dehydrogenase deficiency. Last evaluated: 2018-06-06. Review status: no assertion criteria provided. Collection method: clinical testing. Allele origin: unknown. Not counted in ClinVar's aggregate classification.

Literature cited by the submitters: PubMed 7738175 (cited by Labcorp Genetics (formerly Invitae), Labcorp); PubMed 21103935 (cited by Labcorp Genetics (formerly Invitae), Labcorp); PubMed 21549624 (cited by Labcorp Genetics (formerly Invitae), Labcorp); PubMed 22459206 (cited by Labcorp Genetics (formerly Invitae), Labcorp).